The following is an entry in ClinVar:

ClinVar aggregate classification (germline): Pathogenic. Review status: reviewed by expert panel (3 of 4 stars). 6 submissions from 6 submitters: Pathogenic (1). 5 of the submissions do not count toward it. Last evaluated 2016-10-18.

Conditions:
Breast-ovarian cancer, familial, susceptibility to, 2 (BROVCA2). Also called: BRCA2 Hereditary Breast and Ovarian Cancer. Identifiers: Orphanet 145, MedGen C2675520, MONDO:0012933, OMIM 612555. Disease mechanism: loss of function.
Hereditary cancer-predisposing syndrome. Also called: Hereditary neoplastic syndrome; Neoplastic Syndromes, Hereditary; Tumor predisposition; Hereditary Cancer Syndrome. Identifiers: Orphanet 140162, MedGen C0027672, MeSH D009386, MONDO:0015356.
Hereditary breast ovarian cancer syndrome. Also called: BRCA1- and BRCA2-Associated Hereditary Breast and Ovarian Cancer; Hereditary breast and ovarian cancer; Breast and ovarian cancer; Hereditary breast and/or ovarian cancer syndrome; Hereditary breast and ovarian cancer syndrome; Hereditary breast and ovarian cancer syndrome (HBOC). Identifiers: Orphanet 145, MedGen C0677776, MeSH D061325, MONDO:0003582. Disease mechanism: loss of function.

Submissions (6):

Evidence-based Network for the Interpretation of Germline Mutant Alleles (ENIGMA)
Classification: Pathogenic for Breast-ovarian cancer, familial, susceptibility to, 2. Last evaluated: 2016-10-18. Review status: reviewed by expert panel. Criteria: ENIGMA BRCA1/2 Classification Criteria (2015). Collection method: curation. Allele origin: germline.
Comment: Variant allele predicted to encode a truncated non-functional protein.

Labcorp Genetics (formerly Invitae), Labcorp
Classification: Pathogenic for Hereditary breast ovarian cancer syndrome. Last evaluated: 2024-01-12. Review status: criteria provided, single submitter. Criteria: Invitae Variant Classification Sherloc (09022015). Collection method: clinical testing. Allele origin: germline. Not counted in ClinVar's aggregate classification.
Comment: This sequence change creates a premature translational stop signal (p.Tyr2511Serfs*27) in the BRCA2 gene. It is expected to result in an absent or disrupted protein product. Loss-of-function variants in BRCA2 are known to be pathogenic (PMID: 20104584). This variant is not present in population databases (gnomAD no frequency). This variant has not been reported in the literature in individuals affected with BRCA2-related conditions. ClinVar contains an entry for this variant (Variation ID: 267019). For these reasons, this variant has been classified as Pathogenic.

Women's Health and Genetics/Laboratory Corporation of America, LabCorp
Classification: Pathogenic for Hereditary breast and ovarian cancer syndrome. Last evaluated: 2019-04-12. Review status: criteria provided, single submitter. Criteria: LabCorp Variant Classification Summary - May 2015. Collection method: clinical testing. Allele origin: germline. Not counted in ClinVar's aggregate classification.
Comment: Variant summary: BRCA2 c.7530_7531delGT (p.Tyr2511SerfsX27) results in a premature termination codon, predicted to cause a truncation of the encoded protein or absence of the protein due to nonsense mediated decay, which are commonly known mechanisms for disease. Truncations downstream of this position have been classified as pathogenic by our laboratory (c.7673_7674delAG, p.Glu2558fsX7; c.7758G>A, p.Trp2586X; c.7900delA, p.Met2634fsX14). The variant was absent in 246118 control chromosomes (gnomAD). The variant, c.7530_7531delGT, has been reported in one individual affected with Hereditary Breast and Ovarian Cancer (Rebbeck_2018). Two more patients were reported in database including one identified as pathogenic by ENIGMA classification criteria. These data supports this variant as pathogenic. To our knowledge, no experimental evidence demonstrating an impact on protein function has been reported. Two clinical diagnostic laboratories and one expert panel have submitted clinical-significance assessments for this variant to ClinVar after 2014 without evidence for independent evaluation. All submitters classified the variant as pathogenic. Based on the evidence outlined above, the variant was classified as pathogenic.

Ambry Genetics
Classification: Pathogenic for Hereditary cancer-predisposing syndrome. Last evaluated: 2016-08-19. Review status: criteria provided, single submitter. Criteria: Ambry Variant Classification Scheme 2023. Collection method: clinical testing. Allele origin: germline. Not counted in ClinVar's aggregate classification.
Comment: The c.7530_7531delGT pathogenic mutation, located in coding exon 14 of the BRCA2 gene, results from a deletion of two nucleotides at nucleotide positions 7530 to 7531, causing a translational frameshift with a predicted alternate stop codon. This alteration is expected to result in loss of function by premature protein truncation or nonsense-mediated mRNA decay. As such, this alteration is interpreted as a disease-causing mutation.

GeneDx
Classification: Pathogenic. Last evaluated: 2016-01-11. Review status: criteria provided, single submitter. Criteria: GeneDx Variant Classification (06012015). Collection method: clinical testing. Allele origin: germline. Affected: yes. Not counted in ClinVar's aggregate classification.
Comment: This deletion of 2 nucleotides in BRCA2 is denoted c.7530_7531delGT at the cDNA level and p.Tyr2511SerfsX27 (Y2511SfsX27) at the protein level. Using alternate nomenclature, this variant would be defined as BRCA2 7758delGT. The normal sequence, with the bases that are deleted in braces, is GTCT[GT]ATCT. The deletion causes a frameshift, which changes a Tyrosine to a Serine at codon 2511, and creates a premature stop codon at position 27 of the new reading frame. Although this variant has not, to our knowledge, been reported in the literature, it is predicted to cause loss of normal protein function through either protein truncation or nonsense-mediated mRNA decay. We consider this variant to be pathogenic.

Consortium of Investigators of Modifiers of BRCA1/2 (CIMBA), c/o University of Cambridge
Classification: Pathogenic for Breast-ovarian cancer, familial, susceptibility to, 2. Last evaluated: 2015-10-02. Review status: criteria provided, single submitter. Criteria: CIMBA Mutation Classification guidelines May 2016. Collection method: clinical testing. Allele origin: germline. Not counted in ClinVar's aggregate classification.

Literature cited by the submitters: PubMed 20104584 (cited by Labcorp Genetics (formerly Invitae), Labcorp); PubMed 29446198 (cited by Women's Health and Genetics/Laboratory Corporation of America, LabCorp).

NM_000059.4(BRCA2):c.7530_7531del (p.Tyr2511fs)

Gene: BRCA2 (BRCA2 DNA repair associated; plus strand). Cytogenetic location: 13q13.1.
Variant type: Deletion.
Coding change: c.7530_7531del on transcript NM_000059.4 (MANE Select); coding-DNA positions 7530 to 7531, 2 bases deleted (GT; older notation c.7530_7531delGT).
Protein change: p.Tyr2511fs; shifts the reading frame from tyrosine 2511.
Molecular consequence: frameshift variant.
Genome position (GRCh38, 1-based): chr13:32,356,522-32,356,523, GT deleted; deleting any 2 consecutive bases within chr13:32,356,521-32,356,523 gives the same sequence; the c. name uses the placement nearest the transcript's 3' end. VCF-style (leftmost placement, unchanged base first): chr13-32356520-CTG-C. GRCh37 (hg19) VCF-style: chr13-32930657-CTG-C.
Other names: 7758delGT; c.7530_7531delGT (NM_000059.3).
Identifiers: ClinVar variation 267019 (VCV000267019.15), dbSNP rs886040715, ClinGen allele CA10589436.